The following is an entry in ClinVar:

ClinVar aggregate classification (germline): Uncertain significance (1 of 4 stars; one submission).

Allele frequency attached by ClinVar (database versions not stated): TOPMed below 0.00001; gnomAD exomes 0.00001.
gnomAD v4.1: 3 of 1,614,118 alleles (0.00019%); highest among the groups gnomAD compares: South Asian, 0.0011%; no homozygotes.

Submission:

Labcorp Genetics (formerly Invitae), Labcorp
Classification: Uncertain significance. Last evaluated: 2021-04-12. Review status: criteria provided, single submitter. Criteria: Invitae Variant Classification Sherloc (09022015). Collection method: clinical testing. Allele origin: germline.
Comment: In summary, the available evidence is currently insufficient to determine the role of this variant in disease. Therefore, it has been classified as a Variant of Uncertain Significance. Advanced modeling of protein sequence and biophysical properties (such as structural, functional, and spatial information, amino acid conservation, physicochemical variation, residue mobility, and thermodynamic stability) performed at Invitae indicates that this missense variant is not expected to disrupt CPLANE1 protein function. This variant has not been reported in the literature in individuals with CPLANE1-related conditions. This variant is not present in population databases (ExAC no frequency). This sequence change replaces valine with isoleucine at codon 2106 of the CPLANE1 protein (p.Val2106Ile). The valine residue is moderately conserved and there is a small physicochemical difference between valine and isoleucine.

NM_001384732.1(CPLANE1):c.6316G>A (p.Val2106Ile)

Gene: CPLANE1 (ciliogenesis and planar polarity effector complex subunit 1; minus strand). Cytogenetic location: 5p13.2.
Variant type: single nucleotide variant.
Coding change: c.6316G>A on transcript NM_001384732.1 (MANE Select); coding-DNA position 6316, G replaced by A.
Protein change: p.Val2106Ile; replaces valine 2106 with isoleucine.
Molecular consequence: missense variant.
Genome position (GRCh38, 1-based): chr5:37,170,187, C>T on the plus strand (G>A on the coding strand, the complement: CPLANE1 is on the minus strand). VCF-style: chr5-37170187-C-T. GRCh37 (hg19) VCF-style: chr5-37170289-C-T.
Other names: c.6316G>A, p.Val2106Ile (NM_023073.4); short protein forms V2106I.
Identifiers: ClinVar variation 1361309 (VCV001361309.8), dbSNP rs1779383265, ClinGen allele CA359481999.